The following is an entry in ClinVar:

ClinVar aggregate classification (germline): Conflicting classifications of pathogenicity. Review status: criteria provided, conflicting classifications (1 of 4 stars). 2 submissions from 2 submitters: Uncertain significance (1); Likely benign (1). Last evaluated 2025-03-27.

Conditions:
DICER1-related tumor predisposition. Also called: DICER1-related pleuropulmonary blastoma cancer predisposition syndrome; DICER1 syndrome. Identifiers: Orphanet 284343, MedGen C3839822, MONDO:0100216.
Hereditary cancer-predisposing syndrome. Also called: Neoplastic Syndromes, Hereditary; Hereditary Cancer Syndrome; Hereditary neoplastic syndrome; Tumor predisposition. Identifiers: Orphanet 140162, MedGen C0027672, MeSH D009386, MONDO:0015356.

Allele frequency attached by ClinVar (database versions not stated): gnomAD 0.00001.

Submissions (2):

Ambry Genetics
Classification: Uncertain significance for Hereditary cancer-predisposing syndrome. Last evaluated: 2025-03-27. Review status: criteria provided, single submitter. Criteria: Ambry Variant Classification Scheme 2023. Collection method: clinical testing. Allele origin: germline.
Comment: The c.4207-5T>G intronic variant results from a T to G substitution 5 nucleotides upstream from coding exon 22 in the DICER1 gene. This nucleotide position is well conserved in available vertebrate species. In silico splice site analysis for this alteration is inconclusive and direct evidence is insufficient at this time (Ambry internal data). Since supporting evidence is limited at this time, the clinical significance of this alteration remains unclear.

Labcorp Genetics (formerly Invitae), Labcorp
Classification: Likely benign for DICER1-related tumor predisposition. Last evaluated: 2024-10-24. Review status: criteria provided, single submitter. Criteria: Invitae Variant Classification Sherloc (09022015). Collection method: clinical testing. Allele origin: germline.

NM_177438.3(DICER1):c.4207-5T>G

Gene: DICER1 (dicer 1, ribonuclease III; minus strand). Cytogenetic location: 14q32.13.
Variant type: single nucleotide variant.
Coding change: c.4207-5T>G on transcript NM_177438.3 (MANE Select); 5 bases into the intron before coding-DNA position 4207, T replaced by G.
Molecular consequence: intron variant.
Genome position (GRCh38, 1-based): chr14:95,096,718, A>C on the plus strand (T>G on the coding strand, the complement: DICER1 is on the minus strand). VCF-style: chr14-95096718-A-C. GRCh37 (hg19) VCF-style: chr14-95563055-A-C.
Other names: c.4207-5T>G (NM_001291628.2, NM_030621.4, NM_001271282.3 and 1 more transcripts).
Identifiers: ClinVar variation 824677 (VCV000824677.16), dbSNP rs1595343204, ClinGen allele CA915946363.